The following is an entry in ClinVar:

ClinVar aggregate classification (germline): Uncertain significance (1 of 4 stars; one submission).

Conditions:
USH2A-related disorder. Also called: USH2A-related disorders; USH2A-related condition. Identifiers: MedGen CN239332.

gnomAD v4.1: 15 of 1,613,406 alleles (0.00093%); highest among the groups gnomAD compares: Admixed American, 0.0017%; no homozygotes.

Submission:

PreventionGenetics, part of Exact Sciences
Classification: Uncertain significance for USH2A-related condition. Last evaluated: 2025-06-25. Review status: criteria provided, single submitter. Criteria: ACMG Guidelines, 2015. Collection method: clinical testing. Allele origin: germline.
Comment: The USH2A c.1417A>G variant is predicted to result in the amino acid substitution p.Thr473Ala. To our knowledge, this variant has not been reported in the literature. This variant is reported in 0.0029% of alleles in individuals of Latino descent in gnomAD. At this time, the clinical significance of this variant is uncertain due to the absence of conclusive functional and genetic evidence.

NM_206933.4(USH2A):c.1417A>G (p.Thr473Ala)

Gene: USH2A (usherin; minus strand). Cytogenetic location: 1q41.
Variant type: single nucleotide variant.
Coding change: c.1417A>G on transcript NM_206933.4 (MANE Select); coding-DNA position 1417, A replaced by G.
Protein change: p.Thr473Ala; replaces threonine 473 with alanine.
Molecular consequence: missense variant.
Genome position (GRCh38, 1-based): chr1:216,323,607, T>C on the plus strand (A>G on the coding strand, the complement: USH2A is on the minus strand). VCF-style: chr1-216323607-T-C. GRCh37 (hg19) VCF-style: chr1-216496949-T-C.
Other names: c.1417A>G, p.Thr473Ala (NM_007123.6); short protein forms T473A.
Identifiers: ClinVar variation 4983877 (VCV004983877.1).
Genomic context (GRCh38, chr1:216,323,607, plus strand): 5'-ACTGCCCATGAAAATGAAACCTTATTTGCGTGGCTTTTACGAACTCTTGAAGAGATGGGG[T>C]ATTATAGAAGTTATTGTATCCAGGACGATAATTTGGTCCAGGTGTCAGGATGCTAAATGT-3'
Protein context (NP_996816.3, residues 463-483): YRPGYNNFYN[Thr473Ala]PSLQEFVKAT